The following is an entry in ClinVar:

ClinVar aggregate classification (germline): Uncertain significance. Review status: criteria provided, multiple submitters, no conflicts (2 of 4 stars). 2 submissions from 2 submitters: Uncertain significance (2). Last evaluated 2025-11-20.

gnomAD v4.1: 13 of 1,613,546 alleles (0.00081%); highest among the groups gnomAD compares: Non-Finnish European, 0.001%; no homozygotes.

Submissions (2):

Ambry Genetics
Classification: Uncertain significance. Last evaluated: 2025-11-20. Review status: criteria provided, single submitter. Criteria: Ambry Variant Classification Scheme 2023. Collection method: clinical testing. Allele origin: germline.

Labcorp Genetics (formerly Invitae), Labcorp
Classification: Uncertain significance. Last evaluated: 2021-10-17. Review status: criteria provided, single submitter. Criteria: Invitae Variant Classification Sherloc (09022015). Collection method: clinical testing. Allele origin: germline.
Comment: This variant is not present in population databases (ExAC no frequency). Algorithms developed to predict the effect of missense changes on protein structure and function are either unavailable or do not agree on the potential impact of this missense change (SIFT: "Tolerated"; PolyPhen-2: "Possibly Damaging"; Align-GVGD: "Class C0"). This variant has not been reported in the literature in individuals affected with SORL1-related conditions. This sequence change replaces arginine with leucine at codon 1286 of the SORL1 protein (p.Arg1286Leu). The arginine residue is highly conserved and there is a moderate physicochemical difference between arginine and leucine. In summary, the available evidence is currently insufficient to determine the role of this variant in disease. Therefore, it has been classified as a Variant of Uncertain Significance.

NM_003105.6(SORL1):c.3857G>T (p.Arg1286Leu)

Gene: SORL1 (sortilin related receptor 1; plus strand). Cytogenetic location: 11q24.1.
Variant type: single nucleotide variant.
Coding change: c.3857G>T on transcript NM_003105.6 (MANE Select); coding-DNA position 3857, G replaced by T.
Protein change: p.Arg1286Leu; replaces arginine 1286 with leucine.
Molecular consequence: missense variant.
Genome position (GRCh38, 1-based): chr11:121,588,062, G>T. VCF-style: chr11-121588062-G-T. GRCh37 (hg19) VCF-style: chr11-121458771-G-T.
Other names: c.3857G>T (NM_003105.5); short protein forms R1286L.
Identifiers: ClinVar variation 1415425 (VCV001415425.7), dbSNP rs912116035, ClinGen allele CA229863509.